The following is an entry in ClinVar:

NM_198173.3(GRHL3):c.318dup (p.Thr107fs)

Gene: GRHL3 (grainyhead like transcription factor 3; plus strand). Cytogenetic location: 1p36.11.
Variant type: Duplication.
Coding change: c.318dup on transcript NM_198173.3 (MANE Select); coding-DNA position 318, one base duplicated (C; older notation c.318dupC).
Protein change: p.Thr107fs; shifts the reading frame from threonine 107.
Molecular consequence: frameshift variant.
Genome position (GRCh38, 1-based): chr1:24,336,533, C duplicated; the last of 4 consecutive C bases (chr1:24,336,530-24,336,533); duplicating any one gives the same sequence. VCF-style (leftmost placement, unchanged base first): chr1-24336529-G-GC. GRCh37 (hg19) VCF-style: chr1-24663019-G-GC.
Other names: c.180dup, p.Thr61fs (NM_001195010.2); c.333dup, p.Thr112fs (NM_021180.4); c.318dup, p.Thr107fs (NM_198174.3); short protein forms T107fs, T112fs, T61fs.
Identifiers: ClinVar variation 3235927 (VCV003235927.1), dbSNP rs2522608482, ClinGen allele CA2825000914.

ClinVar aggregate classification (germline): Likely pathogenic (1 of 4 stars; one submission).

Conditions:
Van der Woude syndrome 2 (VWS2). Identifiers: Orphanet 888, MedGen C1847604, MONDO:0011712, OMIM 606713.

Submission:

New York Genome Center
Classification: Likely pathogenic for Van der Woude syndrome 2. Last evaluated: 2022-07-11. Review status: criteria provided, single submitter. Criteria: NYGC Assertion Criteria 2020. Collection method: clinical testing. Allele origin: inherited. Observed: 1 heterozygote. Study: PrenatalSEQ.
Comment: The inherited frameshift variant c.318dup has not previously been reported in the literature or public variant repositories (ClinVar and LOVD) and is absent from population databases (gnomAD v2.1.1 and v3.1.2, TOPMed Freeze 8), suggesting it is not a common benign variant in the populations represented in those databases. The c.318dup variant is located in exon 4 of this 16-exon gene, predicted to incorporate a premature termination codon (p.(Thr107HisfsTer25)), and is expected to result in loss-of-function via nonsense-mediated decay. Multiple loss-of-function variants that are downstream of the c.318dup variant have been reported in the literature in individuals with van der Woude syndrome [PMID: 28886269, 29500247]. Based on available evidence this inherited frameshift variant c.318dup, (p.(Thr107HisfsTer25)) identified in the GRHL3 gene is classified as likely pathogenic.